The following is an entry in ClinVar:

NM_004577.4(PSPH):c.*361A>G

Gene: PSPH (phosphoserine phosphatase; minus strand). Cytogenetic location: 7p11.2.
Variant type: single nucleotide variant.
Coding change: c.*361A>G on transcript NM_004577.4 (MANE Select); 361 bases downstream of the stop codon, A replaced by G.
Molecular consequence: 3 prime UTR variant.
Genome position (GRCh38, 1-based): chr7:56,011,401, T>C on the plus strand (A>G on the coding strand, the complement: PSPH is on the minus strand). VCF-style: chr7-56011401-T-C. GRCh37 (hg19) VCF-style: chr7-56079094-T-C.
Other names: c.*361A>G (NM_001370503.1, NM_001370504.1, NM_001370505.1 and 17 more transcripts).
Identifiers: ClinVar variation 360497 (VCV000360497.6), dbSNP rs4947534, ClinGen allele CA10626256.

ClinVar aggregate classification (germline): Benign. Review status: criteria provided, multiple submitters, no conflicts (2 of 4 stars). 2 submissions from 2 submitters: Benign (2). Last evaluated 2018-01-13.

Conditions:
Deficiency of phosphoserine phosphatase (PSPHD). Also called: Phosphoserine phosphatase deficiency; PSPH deficiency. Identifiers: Orphanet 79350, MedGen C1291463, MONDO:0013531, OMIM 614023.

Allele frequency attached by ClinVar (database versions not stated): 1000 Genomes Project 30x 0.65709; 1000 Genomes Project 0.66154; TOPMed 0.69064; gnomAD exomes 0.70362; gnomAD 0.70685 and 0.70873.
gnomAD v4.1: 112,508 of 159,234 alleles (71%); highest among the groups gnomAD compares: Non-Finnish European, 76%; 40,135 homozygotes.

Submissions (2):

Illumina Laboratory Services, Illumina
Classification: Benign for Deficiency of phosphoserine phosphatase. Last evaluated: 2018-01-13. Review status: criteria provided, single submitter. Criteria: ICSL Variant Classification Criteria 13 December 2019. Collection method: clinical testing. Allele origin: germline.
Comment: This variant was observed in the ICSL laboratory as part of a predisposition screen in an ostensibly healthy population. It had not been previously curated by ICSL or reported in the Human Gene Mutation Database (HGMD: prior to June 1st, 2018), and was therefore a candidate for classification through an automated scoring system. Utilizing variant allele frequency, disease prevalence and penetrance estimates, and inheritance mode, an automated score was calculated to assess if this variant is too frequent to cause the disease. Based on the score and internal cut-off values, a variant classified as benign is not then subjected to further curation. The score for this variant resulted in a classification of benign for this disease.

Breakthrough Genomics
Classification: Benign. Review status: criteria provided, single submitter. Criteria: ACMG Guidelines, 2015. Collection method: not provided. Allele origin: germline. Inheritance: Autosomal recessive inheritance. Affected: yes.